The following is an entry in ClinVar:

NM_173660.5(DOK7):c.727A>G (p.Lys243Glu)

Genes: DOK7 (docking protein 7; plus strand), LOC129992118 (ATAC-STARR-seq lymphoblastoid silent region 15206; plus strand). Cytogenetic location: 4p16.3.
Variant type: single nucleotide variant.
Coding change: c.727A>G on transcript NM_173660.5 (MANE Select); coding-DNA position 727, A replaced by G.
Protein change: p.Lys243Glu; replaces lysine 243 with glutamic acid.
Molecular consequence: missense variant. On other transcripts: 5 prime UTR variant (1).
Genome position (GRCh38, 1-based): chr4:3,489,751, A>G. VCF-style: chr4-3489751-A-G. GRCh37 (hg19) VCF-style: chr4-3491478-A-G.
Other names: c.716A>G, p.Glu239Gly (NM_001164673.2); c.-204A>G (NM_001256896.2); c.727A>G, p.Lys243Glu (NM_001301071.2); c.295A>G, p.Lys99Glu (NM_001363811.2); short protein forms K243E, K99E, E239G.
Identifiers: ClinVar variation 2158165 (VCV002158165.1), dbSNP rs2475076189, ClinGen allele CA356115613.
Genomic context (GRCh38, chr4:3,489,751, plus strand): 5'-GGACCCTCGACTGTGGAGGAGCGTGTGGCCCAGGAAGCCCTGGAAACCCTACAGCTGGAG[A>G]AGCGGCTGAGCCTCCTCTCACATGCGGGCAGGCCGGGCAGTGGAGGTAGGGCCGGGGGCT-3'
Protein context (NP_775931.3, residues 233-253): QEALETLQLE[Lys243Glu]RLSLLSHAGR

ClinVar aggregate classification (germline): Uncertain significance (1 of 4 stars; one submission).

Conditions:
Congenital myasthenic syndrome 10. Also called: Myasthenia, limb-girdle, familial. Identifiers: Orphanet 590, MedGen C1850792, MONDO:0009690, OMIM 254300.
Fetal akinesia deformation sequence 1 (FADS1). Also called: Pena-Shokeir syndrome type I; Fetal akinesia sequence. Identifiers: Orphanet 994, MedGen C1276035, MONDO:0100101, OMIM 208150, HP:0001989.

gnomAD v4.1: 3 of 1,571,052 alleles (0.00019%); highest among the groups gnomAD compares: Non-Finnish European, 0.00026%; no homozygotes.

Submission:

Labcorp Genetics (formerly Invitae), Labcorp
Classification: Uncertain significance for Congenital myasthenic syndrome 10; Fetal akinesia deformation sequence 1. Last evaluated: 2022-07-28. Review status: criteria provided, single submitter. Criteria: Invitae Variant Classification Sherloc (09022015). Collection method: clinical testing. Allele origin: germline.
Comment: This sequence change replaces lysine, which is basic and polar, with glutamic acid, which is acidic and polar, at codon 243 of the DOK7 protein (p.Lys243Glu). This variant is not present in population databases (gnomAD no frequency). This variant has not been reported in the literature in individuals affected with DOK7-related conditions. Algorithms developed to predict the effect of missense changes on protein structure and function are either unavailable or do not agree on the potential impact of this missense change (SIFT: "Deleterious"; PolyPhen-2: "Benign"; Align-GVGD: "Class C0"). In summary, the available evidence is currently insufficient to determine the role of this variant in disease. Therefore, it has been classified as a Variant of Uncertain Significance.